The following is an entry in ClinVar:

ClinVar aggregate classification (germline): Uncertain significance. Review status: criteria provided, multiple submitters, no conflicts (2 of 4 stars). 6 submissions from 6 submitters: Uncertain significance (6). Last evaluated 2025-09-23.

Conditions:
Cardiovascular phenotype. Identifiers: MedGen CN230736.
Arrhythmogenic right ventricular cardiomyopathy (ARVD). Also called: Arrhythmogenic cardiomyopathy; Arrhythmogenic Right Ventricular Cardiomyopathy (ARVC); Cardiomyopathy, ARVC; Arrhythmogenic right ventricular dysplasia. Identifiers: Orphanet 247, MedGen C0349788, MeSH D019571, MONDO:0016587. Disease mechanism: loss of function. Inheritance: Various modes of inheritance.
Cardiomyopathy (CMYO). Also called: Cardiomyopathies. Identifiers: Orphanet 167848, MedGen C0878544, MONDO:0004994, HP:0001638. Inheritance: Various modes of inheritance.
Arrhythmogenic right ventricular dysplasia 10. Also called: Arrhythmogenic right ventricular dysplasia/cardiomyopathy, type 10; Arrhythmogenic Right Ventricular Dysplasia/Cardiomyopathy10; ARRHYTHMOGENIC RIGHT VENTRICULAR DYSPLASIA, FAMILIAL, 10. Identifiers: MedGen C1857777, MONDO:0012434, OMIM 610193.

Allele frequency attached by ClinVar (database versions not stated): gnomAD exomes below 0.00001 and 0.00001; TOPMed below 0.00001; ExAC 0.00001; gnomAD 0.00001.
gnomAD v4.1: 13 of 1,613,718 alleles (0.00081%); highest among the groups gnomAD compares: Non-Finnish European, 0.0011%; no homozygotes.

Submissions (6):

Labcorp Genetics (formerly Invitae), Labcorp
Classification: Uncertain significance for Arrhythmogenic right ventricular dysplasia 10. Last evaluated: 2025-09-23. Review status: criteria provided, single submitter. Criteria: Invitae Variant Classification Sherloc (09022015). Collection method: clinical testing. Allele origin: germline.
Comment: This sequence change replaces glutamic acid, which is acidic and polar, with lysine, which is basic and polar, at codon 188 of the DSG2 protein (p.Glu188Lys). This variant is present in population databases (rs763948986, gnomAD 0.003%). This variant has not been reported in the literature in individuals affected with DSG2-related conditions. ClinVar contains an entry for this variant (Variation ID: 199828). Invitae Evidence Modeling of protein sequence and biophysical properties (such as structural, functional, and spatial information, amino acid conservation, physicochemical variation, residue mobility, and thermodynamic stability) has been performed for this missense variant. However, the output from this modeling did not meet the statistical confidence thresholds required to predict the impact of this variant on DSG2 protein function. In summary, the available evidence is currently insufficient to determine the role of this variant in disease. Therefore, it has been classified as a Variant of Uncertain Significance.

Color Diagnostics, LLC DBA Color Health
Classification: Uncertain significance for Cardiomyopathy. Last evaluated: 2025-07-22. Review status: criteria provided, single submitter. Criteria: ACMG Guidelines, 2015. Collection method: clinical testing. Allele origin: germline.
Comment: This missense variant replaces glutamic acid with lysine at codon 188 of the DSG2 protein. Computational prediction is inconclusive regarding the impact of this variant on protein structure and function. To our knowledge, functional studies have not been reported for this variant. This variant has not been reported in individuals affected with DSG2-related disorders in the literature. This variant has been identified in 2/280766 chromosomes in the general population by the Genome Aggregation Database (gnomAD). The available evidence is insufficient to determine the role of this variant in disease conclusively. Therefore, this variant is classified as a Variant of Uncertain Significance.

All of Us Research Program, National Institutes of Health
Classification: Uncertain significance for Arrhythmogenic right ventricular cardiomyopathy. Last evaluated: 2023-11-20. Review status: criteria provided, single submitter. Criteria: ACMG Guidelines, 2015. Collection method: clinical testing. Allele origin: germline. Inheritance: Autosomal dominant inheritance. Observed: 3 variant alleles, 3 heterozygotes.
Comment: This missense variant replaces glutamic acid with lysine at codon 188 of the DSG2 protein. Computational prediction is inconclusive regarding the impact of this variant on protein structure and function (internally defined REVEL score threshold 0.5 < inconclusive < 0.7, PMID: 27666373). Splice site prediction tools suggest that this variant may not impact RNA splicing. To our knowledge, functional studies have not been performed for this variant. This variant has not been reported in individuals affected with cardiovascular disorders in the literature. This variant has been identified in 2/280766 chromosomes in the general population by the Genome Aggregation Database (gnomAD). The available evidence is insufficient to determine the role of this variant in disease conclusively. Therefore, this variant is classified as a Variant of Uncertain Significance.

This study involves interpretation of variants in research participants for the purpose of population health screening. Participant phenotype was not available at the time of variant classification. Additional details can be found in publication PMID: 35346344, PMCID: PMC8962531

Ambry Genetics
Classification: Uncertain significance for Cardiovascular phenotype. Last evaluated: 2023-08-03. Review status: criteria provided, single submitter. Criteria: Ambry Variant Classification Scheme 2023. Collection method: clinical testing. Allele origin: germline.
Comment: The p.E188K variant (also known as c.562G>A), located in coding exon 6 of the DSG2 gene, results from a G to A substitution at nucleotide position 562. The glutamic acid at codon 188 is replaced by lysine, an amino acid with similar properties. This amino acid position is conserved. In addition, this alteration is predicted to be tolerated by in silico analysis. Since supporting evidence is limited at this time, the clinical significance of this alteration remains unclear.

Illumina Laboratory Services, Illumina
Classification: Uncertain significance for Arrhythmogenic right ventricular dysplasia 10. Last evaluated: 2018-01-13. Review status: criteria provided, single submitter. Criteria: ICSL Variant Classification Criteria 13 December 2019. Collection method: clinical testing. Allele origin: germline.

GeneDx
Classification: Uncertain significance. Last evaluated: 2014-11-06. Review status: criteria provided, single submitter. Criteria: GeneDx Variant Classification (06012015). Collection method: clinical testing. Allele origin: germline. Affected: yes.
Comment: p.Glu188Lys (GAG>AAG): c.562 G>A in exon 6 of the DSG2 gene (NM_001943.3). The E188K variant has not been published as a mutation or as a benign polymorphism to our knowledge. The E188K variant was not observed in approximately 6,000 individuals of European and African American ancestry in the NHLBI Exome Sequencing Project, indicating it is not a common benign variant in these populations. The E188K variant is a non-conservative amino acid substitution, which is likely to impact secondary protein structure as these residues differ in polarity, charge, size and/or other properties. This substitution occurs at a position that is highly conserved across species. In silico analysis predicts this variant is probably damaging to the protein structure/function. However, no missense mutations in nearby residues have been reported in association with cardiomyopathy, indicating this region of the protein may be tolerant of change. Therefore, based on the currently available information, it is unclear whether this variant is a pathogenic mutation or a rare benign variant. The variant is found in CARDIOMYOPATHY panel(s).

NM_001943.5(DSG2):c.562G>A (p.Glu188Lys)

Gene: DSG2 (desmoglein 2; plus strand). Cytogenetic location: 18q12.1.
Variant type: single nucleotide variant.
Coding change: c.562G>A on transcript NM_001943.5 (MANE Select); coding-DNA position 562, G replaced by A.
Protein change: p.Glu188Lys; replaces glutamic acid 188 with lysine.
Molecular consequence: missense variant.
Genome position (GRCh38, 1-based): chr18:31,522,121, G>A. VCF-style: chr18-31522121-G-A. GRCh37 (hg19) VCF-style: chr18-29102084-G-A.
Other names: p.E188K:GAG>AAG; c.562G>A (LRG_397t1); short protein forms E188K.
Identifiers: ClinVar variation 199828 (VCV000199828.22), dbSNP rs763948986, ClinGen allele CA022188.